The following is an entry in ClinVar:

NM_001942.4(DSG1):c.2910C>G (p.Ile970Met)

Genes: DSG1 (desmoglein 1; plus strand), DSG1-AS1 (DSG1 antisense RNA 1; minus strand). Cytogenetic location: 18q12.1.
Variant type: single nucleotide variant.
Coding change: c.2910C>G on transcript NM_001942.4 (MANE Select); coding-DNA position 2910, C replaced by G.
Protein change: p.Ile970Met; replaces isoleucine 970 with methionine.
Molecular consequence: missense variant.
Genome position (GRCh38, 1-based): chr18:31,355,106, C>G. VCF-style: chr18-31355106-C-G. GRCh37 (hg19) VCF-style: chr18-28935069-C-G.
Other names: short protein forms I970M.
Identifiers: ClinVar variation 2789720 (VCV002789720.3), dbSNP rs776696752, ClinGen allele CA8926470.
Genomic context (GRCh38, chr18:31,355,106, plus strand): 5'-TGTGACAGAGAGGGTTGTTTCTGGTGCTGGCGTAACTGGAATTAGTGGCACCACTGGGAT[C>G]AGCGGTGGCATAGGCAGCAGTGGCCTGGTTGGCACCAGCATGGGTGCTGGGAGCGGTGCC-3'
Protein context (NP_001933.2, residues 960-980): GVTGISGTTG[Ile970Met]SGGIGSSGLV

ClinVar aggregate classification (germline): Uncertain significance (1 of 4 stars; one submission).

Allele frequency attached by ClinVar (database versions not stated): TOPMed below 0.00001; ExAC 0.00001; gnomAD 0.00001.

Submission:

Labcorp Genetics (formerly Invitae), Labcorp
Classification: Uncertain significance. Last evaluated: 2022-10-27. Review status: criteria provided, single submitter. Criteria: Invitae Variant Classification Sherloc (09022015). Collection method: clinical testing. Allele origin: germline.
Comment: This variant has not been reported in the literature in individuals affected with DSG1-related conditions. In summary, the available evidence is currently insufficient to determine the role of this variant in disease. Therefore, it has been classified as a Variant of Uncertain Significance. Algorithms developed to predict the effect of missense changes on protein structure and function output the following: SIFT: "Deleterious"; PolyPhen-2: "Possibly Damaging"; Align-GVGD: "Class C0". The methionine amino acid residue is found in multiple mammalian species, which suggests that this missense change does not adversely affect protein function. This variant is present in population databases (rs776696752, gnomAD 0.003%). This sequence change replaces isoleucine, which is neutral and non-polar, with methionine, which is neutral and non-polar, at codon 970 of the DSG1 protein (p.Ile970Met).